The following is an entry in ClinVar:

NM_001709.5(BDNF):c.-21-15591G>A

Genes: BDNF (brain derived neurotrophic factor; minus strand), BDNF-AS (BDNF antisense RNA; plus strand). Cytogenetic location: 11p14.1.
Variant type: single nucleotide variant.
Coding change: c.-21-15591G>A on transcript NM_001709.5 (MANE Select); 15591 bases into the intron before 21 bases upstream of the start codon, G replaced by A.
Molecular consequence: intron variant. On other transcripts: missense variant (1), 5 prime UTR variant (1).
Genome position (GRCh38, 1-based): chr11:27,674,176, C>T on the plus strand (G>A on the coding strand, the complement: BDNF is on the minus strand). VCF-style: chr11-27674176-C-T. GRCh37 (hg19) VCF-style: chr11-27695723-C-T.
Other names: c.109G>A, p.Val37Ile (NM_001143810.2); c.-255G>A (NM_001143811.2); c.4-15591G>A (NM_170731.5); c.-21-15591G>A (NM_001143805.1, NM_001143806.1, NM_170732.4 and 5 more transcripts); c.67-15591G>A (NM_001143809.2); c.-128-15250G>A (NM_001143814.2); c.25-15591G>A (NM_170734.4); short protein forms V37I.
Identifiers: ClinVar variation 3356257 (VCV003356257.2).

ClinVar aggregate classification (germline): Uncertain significance (1 of 4 stars; one submission).

Conditions:
BDNF-related disorder. Also called: BDNF-related condition.

gnomAD v4.1: 13 of 1,609,204 alleles (0.00081%); highest among the groups gnomAD compares: Admixed American, 0.0084%; no homozygotes.

Submission:

PreventionGenetics, part of Exact Sciences
Classification: Uncertain significance for BDNF-related condition. Last evaluated: 2025-02-20. Review status: criteria provided, single submitter. Criteria: ACMG Guidelines, 2015. Collection method: clinical testing. Allele origin: germline.
Comment: The BDNF c.109G>A variant is predicted to result in the amino acid substitution p.Val37Ile. To our knowledge, this variant has not been reported in the literature. This variant is reported in 0.010% of alleles in individuals of Ashkenazi Jewish descent in gnomAD. At this time, the clinical significance of this variant is uncertain due to the absence of conclusive functional and genetic evidence.